The following is an entry in ClinVar:

NM_004855.5(PIGB):c.913_920del (p.Ser305fs)

Gene: PIGB (phosphatidylinositol glycan anchor biosynthesis class B; plus strand). Cytogenetic location: 15q21.3.
Variant type: Deletion.
Coding change: c.913_920del on transcript NM_004855.5 (MANE Select); coding-DNA positions 913 to 920, 8 bases deleted (TCTCATCC; older notation c.913_920delTCTCATCC).
Protein change: p.Ser305fs; shifts the reading frame from serine 305.
Molecular consequence: frameshift variant.
Genome position (GRCh38, 1-based): chr15:55,340,678-55,340,685, TCTCATCC deleted. VCF-style (leftmost placement, unchanged base first): chr15-55340677-TTCTCATCC-T. GRCh37 (hg19) VCF-style: chr15-55632875-TTCTCATCC-T.
Other names: short protein forms S305fs.
Identifiers: ClinVar variation 1912356 (VCV001912356.5), dbSNP rs1182521445, ClinGen allele CA618504702.

ClinVar aggregate classification (germline): Pathogenic (1 of 4 stars; one submission).

Allele frequency attached by ClinVar (database versions not stated): gnomAD exomes below 0.00001; TOPMed 0.00002; gnomAD 0.00003.

Submission:

Labcorp Genetics (formerly Invitae), Labcorp
Classification: Pathogenic. Last evaluated: 2023-08-17. Review status: criteria provided, single submitter. Criteria: Invitae Variant Classification Sherloc (09022015). Collection method: clinical testing. Allele origin: germline.
Comment: For these reasons, this variant has been classified as Pathogenic. ClinVar contains an entry for this variant (Variation ID: 1912356). This variant has not been reported in the literature in individuals affected with PIGB-related conditions. This variant is present in population databases (no rsID available, gnomAD 0.01%). This sequence change creates a premature translational stop signal (p.Ser305Metfs*46) in the PIGB gene. It is expected to result in an absent or disrupted protein product. Loss-of-function variants in PIGB are known to be pathogenic (PMID: 31256876, 34400385).

Literature cited by the submitters: PubMed 31256876; PubMed 34400385.